The following is an entry in ClinVar:

NM_001080453.3(INTS1):c.4470C>T (p.Ala1490=)

Gene: INTS1 (integrator complex subunit 1; minus strand). Cytogenetic location: 7p22.3.
Variant type: single nucleotide variant.
Coding change: c.4470C>T on transcript NM_001080453.3 (MANE Select); coding-DNA position 4470, C replaced by T.
Protein change: p.Ala1490=; no amino-acid change (alanine 1490 retained).
Molecular consequence: synonymous variant.
Genome position (GRCh38, 1-based): chr7:1,478,745, G>A on the plus strand (C>T on the coding strand, the complement: INTS1 is on the minus strand). VCF-style: chr7-1478745-G-A. GRCh37 (hg19) VCF-style: chr7-1518381-G-A.
Other names: c.987C>T, p.Ala329= (NM_015674.1).
Identifiers: ClinVar variation 2657188 (VCV002657188.24), dbSNP rs750218636, ClinGen allele CA4118855.

ClinVar aggregate classification (germline): Likely benign (1 of 4 stars; one submission).

Allele frequency attached by ClinVar (database versions not stated): gnomAD 0.00003; gnomAD exomes 0.00005; TOPMed 0.00005; ExAC 0.00009.
gnomAD v4.1: 68 of 1,586,928 alleles (0.0043%); highest among the groups gnomAD compares: South Asian, 0.016%; 1 homozygote.

Submission:

CeGaT Center for Human Genetics Tuebingen
Classification: Likely benign. Last evaluated: 2022-06-01. Review status: criteria provided, single submitter. Criteria: CeGaT Center For Human Genetics Tuebingen Variant Classification Criteria Version 2. Collection method: clinical testing. Allele origin: germline. Affected: yes. Observed: 1 variant allele.
Comment: INTS1: BP4, BP7